The following is an entry in ClinVar:

NM_024675.4(PALB2):c.1697G>T (p.Arg566Leu)

Gene: PALB2 (partner and localizer of BRCA2; minus strand). Cytogenetic location: 16p12.2.
Variant type: single nucleotide variant.
Coding change: c.1697G>T on transcript NM_024675.4 (MANE Select); coding-DNA position 1697, G replaced by T.
Protein change: p.Arg566Leu; replaces arginine 566 with leucine.
Molecular consequence: missense variant.
Genome position (GRCh38, 1-based): chr16:23,630,457, C>A on the plus strand (G>T on the coding strand, the complement: PALB2 is on the minus strand). VCF-style: chr16-23630457-C-A. GRCh37 (hg19) VCF-style: chr16-23641778-C-A.
Other names: short protein forms R566L.
Identifiers: ClinVar variation 849544 (VCV000849544.10), dbSNP rs144617793, ClinGen allele CA395128454.

ClinVar aggregate classification (germline): Uncertain significance (1 of 4 stars; one submission).

Conditions:
Familial cancer of breast. Also called: BREAST CANCER, FAMILIAL; Hereditary breast cancer; hereditary breast carcinoma. Identifiers: Orphanet 227535, MedGen C0346153, MONDO:0016419, OMIM 114480. Disease mechanism: loss of function.

Submission:

Labcorp Genetics (formerly Invitae), Labcorp
Classification: Uncertain significance for Familial cancer of breast. Last evaluated: 2019-02-14. Review status: criteria provided, single submitter. Criteria: Invitae Variant Classification Sherloc (09022015). Collection method: clinical testing. Allele origin: germline.
Comment: This variant has not been reported in the literature in individuals with PALB2-related conditions. This sequence change replaces arginine with leucine at codon 566 of the PALB2 protein (p.Arg566Leu). The arginine residue is weakly conserved and there is a moderate physicochemical difference between arginine and leucine. This variant is not present in population databases (ExAC no frequency). In summary, the available evidence is currently insufficient to determine the role of this variant in disease. Therefore, it has been classified as a Variant of Uncertain Significance. Algorithms developed to predict the effect of missense changes on protein structure and function (SIFT, PolyPhen-2, Align-GVGD) all suggest that this variant is likely to be tolerated, but these predictions have not been confirmed by published functional studies and their clinical significance is uncertain.